The following is an entry in ClinVar:

ClinVar aggregate classification (germline): Likely pathogenic (1 of 4 stars; one submission).

Conditions:
PMM2-congenital disorder of glycosylation. Also called: PMM2-CDG; CDG Ia; JAEKEN SYNDROME; PHOSPHOMANNOMUTASE 2 DEFICIENCY; CARBOHYDRATE-DEFICIENT GLYCOPROTEIN SYNDROME, TYPE Ia; Congenital disorder of glycosylation, type Ia. Identifiers: Orphanet 79318, MedGen C0349653, MONDO:0008907, OMIM 212065.

Submission:

Labcorp Genetics (formerly Invitae), Labcorp
Classification: Likely pathogenic for PMM2-congenital disorder of glycosylation. Last evaluated: 2022-05-30. Review status: criteria provided, single submitter. Criteria: Invitae Variant Classification Sherloc (09022015). Collection method: clinical testing. Allele origin: germline.
Comment: This variant results in a copy number gain of the genomic region encompassing exon(s) 2 of the PMM2 gene. While the exact position of this variant cannot be determined from the data, sub-genic copy number gains are generally in tandem (PMID: 25640679). This variant is predicted to be out-of-frame, and may result in an absent or disrupted protein product. Loss-of-function variants in PMM2 are known to be pathogenic (PMID: 19862844). This variant has not been reported in the literature in individuals affected with PMM2-related conditions. In summary, the currently available evidence indicates that the variant is pathogenic, but additional data are needed to prove that conclusively. Therefore, this variant has been classified as Likely Pathogenic.

Literature cited by the submitters: PubMed 25640679; PubMed 19862844.

NC_000016.9:g.(?_8895646)_(8895777_?)dup

Gene: PMM2 (phosphomannomutase 2; plus strand). Cytogenetic location: 16p13.2.
Variant type: Duplication.
Identifiers: ClinVar variation 2422841 (VCV002422841.3).